The following is an entry in ClinVar:

ClinVar aggregate classification (germline): Uncertain significance (1 of 4 stars; one submission).

gnomAD v4.1: 23 of 1,614,020 alleles (0.0014%); highest among the groups gnomAD compares: South Asian, 0.024%; no homozygotes.

Submission:

Labcorp Genetics (formerly Invitae), Labcorp
Classification: Uncertain significance. Last evaluated: 2025-04-08. Review status: criteria provided, single submitter. Criteria: Invitae Variant Classification Sherloc (09022015). Collection method: clinical testing. Allele origin: germline.
Comment: This sequence change replaces glutamine, which is neutral and polar, with lysine, which is basic and polar, at codon 340 of the SLC36A2 protein (p.Gln340Lys). This variant is present in population databases (rs767468891, gnomAD 0.01%). This variant has not been reported in the literature in individuals affected with SLC36A2-related conditions. Invitae Evidence Modeling of protein sequence and biophysical properties (such as structural, functional, and spatial information, amino acid conservation, physicochemical variation, residue mobility, and thermodynamic stability) indicates that this missense variant is not expected to disrupt SLC36A2 protein function with a negative predictive value of 80%. In summary, the available evidence is currently insufficient to determine the role of this variant in disease. Therefore, it has been classified as a Variant of Uncertain Significance.

NM_181776.3(SLC36A2):c.1018C>A (p.Gln340Lys)

Gene: SLC36A2 (solute carrier family 36 member 2; minus strand). Cytogenetic location: 5q33.1.
Variant type: single nucleotide variant.
Coding change: c.1018C>A on transcript NM_181776.3 (MANE Select); coding-DNA position 1018, C replaced by A.
Protein change: p.Gln340Lys; replaces glutamine 340 with lysine.
Molecular consequence: missense variant.
Genome position (GRCh38, 1-based): chr5:151,322,208, G>T on the plus strand (C>A on the coding strand, the complement: SLC36A2 is on the minus strand). VCF-style: chr5-151322208-G-T. GRCh37 (hg19) VCF-style: chr5-150701769-G-T.
Other names: short protein forms Q340K.
Identifiers: ClinVar variation 4749183 (VCV004749183.1).